The following is an entry in ClinVar:

NM_001267550.2(TTN):c.59632C>T (p.Pro19878Ser)

Genes: TTN (titin; minus strand), TTN-AS1 (TTN antisense RNA 1; plus strand), LOC126806424 (CDK7 strongly-dependent group 2 enhancer GRCh37_chr2:179456337-179457536; plus strand). Cytogenetic location: 2q31.2.
Variant type: single nucleotide variant.
Coding change: c.59632C>T on transcript NM_001267550.2 (MANE Select); coding-DNA position 59632, C replaced by T.
Protein change: p.Pro19878Ser; replaces proline 19878 with serine.
Molecular consequence: missense variant.
Genome position (GRCh38, 1-based): chr2:178,592,272, G>A on the plus strand (C>T on the coding strand, the complement: TTN is on the minus strand). VCF-style: chr2-178592272-G-A. GRCh37 (hg19) VCF-style: chr2-179456999-G-A.
Other names: c.51928C>T, p.Pro17310Ser (NM_133378.4); c.54709C>T, p.Pro18237Ser (NM_001256850.1); c.32437C>T, p.Pro10813Ser (NM_003319.4); c.32812C>T, p.Pro10938Ser (NM_133432.3); c.33013C>T, p.Pro11005Ser (NM_133437.4); short protein forms P17310S, P19878S, P18237S, P10938S, P11005S, P10813S.
Identifiers: ClinVar variation 229477 (VCV000229477.5), dbSNP rs752854931, ClinGen allele CA10576505.
Genomic context (GRCh38, chr2:178,592,272, plus strand): 5'-AAGTAAGGTAACATGAATCTTTCCTAATTTCACTGACTTCCAGATCTCTAGGTGGCCCAG[G>A]TTTATCTAAAAAGTGTTAAATAACAGTTTGATAAGTAATTTTATCCATATAAGAGCTCAA-3'
Protein context (NP_001254479.2, residues 19868-19888): VSVKVLVLDK[Pro19878Ser]GPPRDLEVSE

ClinVar aggregate classification (germline): Uncertain significance (1 of 4 stars; one submission).

gnomAD v4.1: 1 of 1,609,256 alleles (0.000062%); highest among the groups gnomAD compares: Admixed American, 0.0017%; no homozygotes.

Submission:

Laboratory for Molecular Medicine, Mass General Brigham Personalized Medicine
Classification: Uncertain significance. Last evaluated: 2015-04-04. Review status: criteria provided, single submitter. Criteria: LMM Criteria. Collection method: clinical testing. Allele origin: germline. Observed: 1 variant allele.
Comment: The p.Pro17310Ser variant in TTN has not been previously reported in individuals with cardiomyopathy or in large population studies. Computational prediction to ols and conservation analysis suggest that the p.Pro17310Ser variant may impact the protein, though this information is not predictive enough to determine patho genicity. In summary, the clinical significance of the p.Pro17310Ser variant is uncertain.